The following is an entry in ClinVar:

NM_000390.4(CHM):c.540C>A (p.Asn180Lys)

Gene: CHM (CHM Rab escort protein; minus strand). Cytogenetic location: Xq21.2.
Variant type: single nucleotide variant.
Coding change: c.540C>A on transcript NM_000390.4 (MANE Select); coding-DNA position 540, C replaced by A.
Protein change: p.Asn180Lys; replaces asparagine 180 with lysine.
Molecular consequence: missense variant.
Genome position (GRCh38, 1-based): chrX:85,963,827, G>T on the plus strand (C>A on the coding strand, the complement: CHM is on the minus strand). VCF-style: chrX-85963827-G-T. GRCh37 (hg19) VCF-style: chrX-85218832-G-T.
Other names: c.96C>A, p.Asn32Lys (NM_001320959.1, NM_001362517.1, NM_001362518.2 and 1 more transcripts); short protein forms N32K, N180K.
Identifiers: ClinVar variation 2153120 (VCV002153120.1), dbSNP rs191673054, ClinGen allele CA10465562.

ClinVar aggregate classification (germline): Uncertain significance (1 of 4 stars; one submission).

Allele frequency attached by ClinVar (database versions not stated): gnomAD exomes 0.00001; ExAC 0.00002; TOPMed 0.00002; gnomAD 0.00004; 1000 Genomes Project 0.00079; 1000 Genomes Project 30x 0.00104.
gnomAD v4.1: 16 of 1,209,765 alleles (0.0013%); highest among the groups gnomAD compares: Admixed American, 0.033%; no homozygotes.

Submission:

Labcorp Genetics (formerly Invitae), Labcorp
Classification: Uncertain significance. Last evaluated: 2022-08-08. Review status: criteria provided, single submitter. Criteria: Invitae Variant Classification Sherloc (09022015). Collection method: clinical testing. Allele origin: germline.
Comment: This sequence change replaces asparagine, which is neutral and polar, with lysine, which is basic and polar, at codon 180 of the CHM protein (p.Asn180Lys). This variant is present in population databases (rs191673054, gnomAD 0.01%), including at least one homozygous and/or hemizygous individual. This variant has not been reported in the literature in individuals affected with CHM-related conditions. Algorithms developed to predict the effect of missense changes on protein structure and function output the following: SIFT: "Tolerated"; PolyPhen-2: "Benign"; Align-GVGD: "Class C0". The lysine amino acid residue is found in multiple mammalian species, which suggests that this missense change does not adversely affect protein function. In summary, the available evidence is currently insufficient to determine the role of this variant in disease. Therefore, it has been classified as a Variant of Uncertain Significance.